The following is an entry in ClinVar:

ClinVar aggregate classification (germline): Conflicting classifications of pathogenicity. Review status: criteria provided, conflicting classifications (1 of 4 stars). 6 submissions from 6 submitters: Uncertain significance (1); Benign (2); Likely benign (3). Last evaluated 2026-01-12.

Conditions:
Inborn genetic diseases. Identifiers: MedGen C0950123, MeSH D030342.
Larsen-like syndrome, B3GAT3 type. Also called: MULTIPLE JOINT DISLOCATIONS, SHORT STATURE, AND CRANIOFACIAL DYSMORPHISM WITH OR WITHOUT CONGENITAL HEART DEFECTS; Multiple joint dislocations, short stature, craniofacial dysmorphism, with or without congenital heart defects. Identifiers: Orphanet 284139, MedGen CN034159, MONDO:0009511, OMIM 245600.

Allele frequency attached by ClinVar (database versions not stated): ESP Exome Variant Server 0.00092; gnomAD exomes 0.00098 and 0.00122; gnomAD 0.00106 and 0.00119; ExAC 0.00127; TOPMed 0.00129; 1000 Genomes Project 30x 0.00187; 1000 Genomes Project 0.00200.
gnomAD v4.1: 1,625 of 1,614,186 alleles (0.1%); highest among the groups gnomAD compares: South Asian, 0.43%; 5 homozygotes.

Submissions (9):

Labcorp Genetics (formerly Invitae), Labcorp
Classification: Benign for Larsen-like syndrome, B3GAT3 type. Last evaluated: 2026-01-12. Review status: criteria provided, single submitter. Criteria: Invitae Variant Classification Sherloc (09022015). Collection method: clinical testing. Allele origin: germline.

Ambry Genetics
Classification: Uncertain significance for Inborn genetic diseases. Last evaluated: 2024-12-03. Review status: criteria provided, single submitter. Criteria: Ambry Variant Classification Scheme 2023. Collection method: clinical testing. Allele origin: germline.

Mayo Clinic Laboratories, Mayo Clinic
Classification: Benign. Last evaluated: 2024-11-27. Review status: criteria provided, single submitter. Criteria: ACMG Guidelines, 2015. Collection method: clinical testing. Allele origin: germline. Observed: 10 variant alleles.
Comment: BS1, BS2

Blueprint Genetics
Classification: Likely benign. Last evaluated: 2024-11-22. Review status: criteria provided, single submitter. Criteria: ACMG Guidelines, 2015. Collection method: clinical testing. Allele origin: germline.

GeneDx
Classification: Likely benign. Last evaluated: 2020-12-15. Review status: criteria provided, single submitter. Criteria: GeneDx Variant Classification Process June 2021. Collection method: clinical testing. Allele origin: germline. Affected: yes.
Comment: In silico analysis, which includes protein predictors and evolutionary conservation, supports a deleterious effect; Has not been previously published as pathogenic or benign to our knowledge

Breakthrough Genomics
Classification: Likely benign. Review status: criteria provided, single submitter. Criteria: ACMG Guidelines, 2015. Collection method: not provided. Allele origin: germline. Inheritance: Autosomal recessive inheritance. Affected: yes.

Dr. Peter K. Rogan Lab, Western University
No classification provided (evidence only). Condition: Clear cell carcinoma of kidney. Review status: no classification provided. Collection method: in vitro. Allele origin: not applicable. Functional consequence: retained intron. Not counted in ClinVar's aggregate classification.

Dr. Peter K. Rogan Lab, Western University
No classification provided (evidence only). Condition: Melanoma. Review status: no classification provided. Collection method: in vitro. Allele origin: not applicable. Functional consequence: retained intron. Not counted in ClinVar's aggregate classification.

Dr. Peter K. Rogan Lab, Western University
No classification provided (evidence only). Condition: Thyroid cancer, nonmedullary, 1. Review status: no classification provided. Collection method: in vitro. Allele origin: not applicable. Functional consequence: retained intron. Not counted in ClinVar's aggregate classification.

NM_012200.4(B3GAT3):c.709G>A (p.Val237Met)

Gene: B3GAT3 (beta-1,3-glucuronyltransferase 3; minus strand). Cytogenetic location: 11q12.3.
Variant type: single nucleotide variant.
Coding change: c.709G>A on transcript NM_012200.4 (MANE Select); coding-DNA position 709, G replaced by A.
Protein change: p.Val237Met; replaces valine 237 with methionine.
Molecular consequence: missense variant. On other transcripts: non-coding transcript variant (1).
Genome position (GRCh38, 1-based): chr11:62,616,706, C>T on the plus strand (G>A on the coding strand, the complement: B3GAT3 is on the minus strand). VCF-style: chr11-62616706-C-T. GRCh37 (hg19) VCF-style: chr11-62384178-C-T.
Other names: p.Val237Met; c.688G>A, p.Val230Met (NM_001288721.2); c.709G>A, p.Val237Met (NM_001288722.2, NM_001288723.2); short protein forms V230M, V237M.
Identifiers: ClinVar variation 784708 (VCV000784708.20), dbSNP rs140378202, ClinGen allele CA6050021.